The following is an entry in ClinVar:

NM_001042681.2(RERE):c.396+7G>A

Gene: RERE (arginine-glutamic acid dipeptide repeats; minus strand). Cytogenetic location: 1p36.23.
Variant type: single nucleotide variant.
Coding change: c.396+7G>A on transcript NM_001042681.2 (MANE Select); 7 bases into the intron after coding-DNA position 396, G replaced by A.
Molecular consequence: intron variant.
Genome position (GRCh38, 1-based): chr1:8,624,303, C>T on the plus strand (G>A on the coding strand, the complement: RERE is on the minus strand). VCF-style: chr1-8624303-C-T. GRCh37 (hg19) VCF-style: chr1-8684362-C-T.
Other names: c.396+7G>A (NM_012102.4).
Identifiers: ClinVar variation 3629775 (VCV003629775.1).
Genomic context (GRCh38, chr1:8,624,303, plus strand): 5'-GATAGCCAATGGAACTGGAAAAAGAGAGAATACAGAGCAGAGTGAACAGCACATTAAAAA[C>T]GCTTACCAGTTTGAAGTCTTGAATGCTACAGATGAAATACGGTGTGTTTGGCCTCCGACT-3'

ClinVar aggregate classification (germline): Uncertain significance (1 of 4 stars; one submission).

gnomAD v4.1: 5 of 1,604,612 alleles (0.00031%); highest among the groups gnomAD compares: South Asian, 0.0011%; no homozygotes.

Submission:

Women's Health and Genetics/Laboratory Corporation of America, LabCorp
Classification: Uncertain significance. Last evaluated: 2024-11-07. Review status: criteria provided, single submitter. Criteria: LabCorp Variant Classification Summary - May 2015. Collection method: clinical testing. Allele origin: germline.
Comment: Variant summary: RERE c.396+7G>A alters a non-conserved nucleotide located close to a canonical splice site and therefore could affect mRNA splicing, leading to a significantly altered protein sequence. Consensus agreement among computation tools predict no significant impact on normal splicing. However, these predictions have yet to be confirmed by functional studies. The variant allele was found at a frequency of 8e-06 in 250502 control chromosomes. The available data on variant occurrences in the general population are insufficient to allow any conclusion about variant significance. To our knowledge, no occurrence of c.396+7G>A in individuals affected with Neurodevelopmental Disorder With Or Without Anomalies Of The Brain, Eye, Or Heart and no experimental evidence demonstrating its impact on protein function have been reported. No submitters have cited clinical-significance assessments for this variant to ClinVar. Based on the evidence outlined above, the variant was classified as uncertain significance.